The following is an entry in ClinVar:

ClinVar aggregate classification (germline): Uncertain significance. Review status: criteria provided, multiple submitters, no conflicts (2 of 4 stars). 2 submissions from 2 submitters: Uncertain significance (2). Last evaluated 2022-08-09.

Conditions:
Cataract 39 multiple types. Also called: Cataract 39, multiple types, autosomal dominant. Identifiers: Orphanet 91492, MedGen C3808800, MONDO:0014075, OMIM 615188.

Allele frequency attached by ClinVar (database versions not stated): gnomAD 0.00001.

Submissions (2):

Labcorp Genetics (formerly Invitae), Labcorp
Classification: Uncertain significance for Cataract 39 multiple types. Last evaluated: 2022-08-09. Review status: criteria provided, single submitter. Criteria: Invitae Variant Classification Sherloc (09022015). Collection method: clinical testing. Allele origin: germline.
Comment: ClinVar contains an entry for this variant (Variation ID: 1370446). Algorithms developed to predict the effect of missense changes on protein structure and function (SIFT, PolyPhen-2, Align-GVGD) all suggest that this variant is likely to be disruptive. In summary, the available evidence is currently insufficient to determine the role of this variant in disease. Therefore, it has been classified as a Variant of Uncertain Significance. This variant has not been reported in the literature in individuals affected with CRYGB-related conditions. This sequence change replaces alanine, which is neutral and non-polar, with proline, which is neutral and non-polar, at codon 160 of the CRYGB protein (p.Ala160Pro). This variant is present in population databases (no rsID available, gnomAD 0.007%).

Ambry Genetics
Classification: Uncertain significance. Last evaluated: 2022-04-13. Review status: criteria provided, single submitter. Criteria: Ambry Variant Classification Scheme 2023. Collection method: clinical testing. Allele origin: germline.

NM_005210.4(CRYGB):c.478G>C (p.Ala160Pro)

Genes: CRYGB (crystallin gamma B; minus strand), LOC100507443 (uncharacterized LOC100507443; plus strand). Cytogenetic location: 2q33.3.
Variant type: single nucleotide variant.
Coding change: c.478G>C on transcript NM_005210.4 (MANE Select); coding-DNA position 478, G replaced by C.
Protein change: p.Ala160Pro; replaces alanine 160 with proline.
Molecular consequence: missense variant.
Genome position (GRCh38, 1-based): chr2:208,142,688, C>G on the plus strand (G>C on the coding strand, the complement: CRYGB is on the minus strand). VCF-style: chr2-208142688-C-G. GRCh37 (hg19) VCF-style: chr2-209007412-C-G.
Other names: c.478G>C (NM_005210.3); short protein forms A160P.
Identifiers: ClinVar variation 1370446 (VCV001370446.7), dbSNP rs1045592971, ClinGen allele CA64554656.
Genomic context (GRCh38, chr2:208,142,688, plus strand): 5'-CGTAAATACTTCAGTACAAATCCATGACTCGTCTAAGAGAGCCAACTTTGGCATTTGGAG[C>G]CCCCCAATCAAGAAACCTCCTGTACTCCCCCGGCCTCAGCAGATACTGCCTCCCCCTGTA-3'
Protein context (NP_005201.2, residues 150-170): GEYRRFLDWG[Ala160Pro]PNAKVGSLRR